The following is an entry in ClinVar:

ClinVar aggregate classification (germline): Benign/Likely benign. Review status: criteria provided, multiple submitters, no conflicts (2 of 4 stars). 10 submissions from 10 submitters: Benign (6); Likely benign (2). 2 of the submissions do not count toward it. Last evaluated 2025-04-25.

Conditions:
Polycystic kidney disease, adult type (PKD1). Also called: POLYCYSTIC KIDNEY DISEASE, ADULT, TYPE I; Polycystic Kidney Disease 1, Autosomal Dominant; Polycystic kidney disease 1; Polycystic kidney disease 1, severe; POLYCYSTIC KIDNEY DISEASE 1 WITH OR WITHOUT POLYCYSTIC LIVER DISEASE; Polycystic Kidney, Autosomal Dominant. Identifiers: MedGen C3149841, MONDO:0008263, OMIM 173900.
Polycystic kidney disease. Also called: Kidney, Polycystic; Polycystic kidney dysplasia. Identifiers: MedGen C0022680, MeSH D007690, MONDO:0020642, HP:0000113.

Allele frequency attached by ClinVar (database versions not stated): gnomAD exomes 0.00091 and 0.00208; ExAC 0.00555; 1000 Genomes Project 0.00779; ESP Exome Variant Server 0.00796; gnomAD 0.00836 and 0.00910; 1000 Genomes Project 30x 0.00906; TOPMed 0.00959.
gnomAD v4.1: 2,628 of 1,601,694 alleles (0.16%); highest among the groups gnomAD compares: African/African-American, 3.1%; 40 homozygotes.

Submissions (10):

Women's Health and Genetics/Laboratory Corporation of America, LabCorp
Classification: Likely benign. Last evaluated: 2025-04-25. Review status: criteria provided, single submitter. Criteria: LabCorp Variant Classification Summary - May 2015. Collection method: clinical testing. Allele origin: germline.

Mayo Clinic Laboratories, Mayo Clinic
Classification: Benign. Last evaluated: 2023-09-18. Review status: criteria provided, single submitter. Criteria: ACMG Guidelines, 2015. Collection method: clinical testing. Allele origin: germline. Observed: 8 variant alleles.
Comment: BS1, BS2, BP4, BP7

Fulgent Genetics
Classification: Likely benign for Polycystic kidney disease, adult type. Last evaluated: 2021-10-06. Review status: criteria provided, single submitter. Criteria: ACMG Guidelines, 2015. Collection method: clinical testing. Allele origin: unknown.

ARUP Laboratories, Molecular Genetics and Genomics, ARUP Laboratories
Classification: Benign for Polycystic kidney disease, adult type. Last evaluated: 2020-01-28. Review status: criteria provided, single submitter. Criteria: ARUP Molecular Germline Variant Investigation Process. Collection method: clinical testing. Allele origin: germline.

GeneDx
Classification: Benign. Last evaluated: 2019-12-09. Review status: criteria provided, single submitter. Criteria: GeneDx Variant Classification Process June 2021. Collection method: clinical testing. Allele origin: germline. Affected: yes.
Comment: This variant is associated with the following publications: (PMID: 22008521, 17574468)

Athena Diagnostics
Classification: Benign. Last evaluated: 2017-09-21. Review status: criteria provided, single submitter. Criteria: Athena Diagnostics Criteria. Collection method: clinical testing. Allele origin: germline.

Breakthrough Genomics
Classification: Benign. Review status: criteria provided, single submitter. Criteria: ACMG Guidelines, 2015. Collection method: not provided. Allele origin: germline. Inheritance: Autosomal dominant inheritance. Affected: yes.

PreventionGenetics, part of Exact Sciences
Classification: Benign. Review status: criteria provided, single submitter. Criteria: ACMG Guidelines, 2015. Collection method: clinical testing. Allele origin: germline.

Genetic Services Laboratory, University of Chicago
Classification: Benign. Last evaluated: 2022-08-29. Review status: no assertion criteria provided. Collection method: clinical testing. Allele origin: germline. Affected: no. Not counted in ClinVar's aggregate classification.

Department of Pathology and Laboratory Medicine, Sinai Health System
Classification: Benign for Polycystic Kidney disease. Review status: no assertion criteria provided. Collection method: clinical testing. Allele origin: unknown. Affected: yes. Study: The Canadian Open Genetics Repository (COGR). Not counted in ClinVar's aggregate classification.
Comment: The PKD1 p.Gly441= variant was identified in 2 of 238 proband chromosomes (frequency: 0.008) from individuals or families with ADPKD (Bataille 2011, Garcia-Gonzalez 2007). The variant was also identified in dbSNP (ID: rs145776888) as "With Benign allele", ClinVar (classified as benign by Prevention Genetics and Athena Diagnostics), and in ADPKD Mutation Database (as likely neutral). The variant was not identified in LOVD 3.0 or PKD1-LOVD databases. The variant was identified in control databases in 639 of 224986 chromosomes (11 homozygous) at a frequency of 0.003, increasing the likelihood this could be a low frequency benign variant (Genome Aggregation Database Feb 27, 2017). The variant was observed in the following populations: African in 579 of 18934 chromosomes (freq: 0.03), Other in 7 of 5530 chromosomes (freq: 0.001), Latino in 41 of 30268 chromosomes (freq: 0.001), European in 10 of 98026 chromosomes (freq: 0.0001), and South Asian in 2 of 26670 chromosomes (freq: 0.00008); it was not observed in the Ashkenazi Jewish, East Asian, or Finnish populations. The p.Gly441= variant is not expected to have clinical significance because it does not result in a change of amino acid and is not located in a known consensus splice site. In addition, in silico or computational prediction software programs (SpliceSiteFinder, MaxEntScan, NNSPLICE, GeneSplicer) do not predict a difference in splicing. In summary, based on the above information, this variant meets our laboratory criteria to be classified as benign.

Literature cited by the submitters: PubMed 22008521 (cited by Mayo Clinic Laboratories, Mayo Clinic and Athena Diagnostics).

NM_001009944.3(PKD1):c.1323G>A (p.Gly441=)

Gene: PKD1 (polycystin 1, transient receptor potential channel interacting; minus strand). Cytogenetic location: 16p13.3.
Variant type: single nucleotide variant.
Coding change: c.1323G>A on transcript NM_001009944.3 (MANE Select); coding-DNA position 1323, G replaced by A.
Protein change: p.Gly441=; no amino-acid change (glycine 441 retained).
Molecular consequence: synonymous variant.
Genome position (GRCh38, 1-based): chr16:2,117,551, C>T on the plus strand (G>A on the coding strand, the complement: PKD1 is on the minus strand). VCF-style: chr16-2117551-C-T. GRCh37 (hg19) VCF-style: chr16-2167552-C-T.
Other names: p.Gly441=; c.1323G>A, p.Gly441= (NM_000296.4).
Identifiers: ClinVar variation 256923 (VCV000256923.22), dbSNP rs145776888, ClinGen allele CA7833543.
Genomic context (GRCh38, chr16:2,117,551, plus strand): 5'-GGTGACCCGGGAGACCAGGAAGCGCTGCACGGCGGGACTGTCCACCATTGCCAGGGCGGC[C>T]CCGGCCCAGGCCTGACACTGCTCCTGCGCCTGCAGCCAGGCCGCCTTCTCCACCACCAGG-3'
Protein context (NP_001009944.3, residues 431-451): QAQEQCQAWA[Gly441=]AALAMVDSPA